The following is an entry in ClinVar:

ClinVar aggregate classification (germline): Conflicting classifications of pathogenicity. Review status: criteria provided, conflicting classifications (1 of 4 stars). 2 submissions from 2 submitters: Uncertain significance (1); Likely benign (1). Last evaluated 2022-10-19.

Conditions:
Hermansky-Pudlak syndrome 2 (HPS2). Also called: Platelet defects and oculocutaneous albinism. Identifiers: Orphanet 183678, Orphanet 79430, MedGen C1842362, MONDO:0011997, OMIM 608233.

Submissions (2):

Labcorp Genetics (formerly Invitae), Labcorp
Classification: Uncertain significance for Hermansky-Pudlak syndrome 2. Last evaluated: 2022-10-19. Review status: criteria provided, single submitter. Criteria: Invitae Variant Classification Sherloc (09022015). Collection method: clinical testing. Allele origin: germline.
Comment: In summary, the available evidence is currently insufficient to determine the role of this variant in disease. Therefore, it has been classified as a Variant of Uncertain Significance. Algorithms developed to predict the effect of missense changes on protein structure and function output the following: SIFT: "Tolerated"; PolyPhen-2: "Benign"; Align-GVGD: "Class C0". The asparagine amino acid residue is found in multiple mammalian species, which suggests that this missense change does not adversely affect protein function. ClinVar contains an entry for this variant (Variation ID: 505163). This variant has not been reported in the literature in individuals affected with AP3B1-related conditions. This variant is not present in population databases (gnomAD no frequency). This sequence change replaces serine, which is neutral and polar, with asparagine, which is neutral and polar, at codon 527 of the AP3B1 protein (p.Ser527Asn).

Laboratory for Molecular Medicine, Mass General Brigham Personalized Medicine
Classification: Likely benign. Last evaluated: 2016-07-13. Review status: criteria provided, single submitter. Criteria: LMM Criteria. Collection method: clinical testing. Allele origin: germline. Observed: 1 variant allele.
Comment: p.Ser527Asn in exon 15 of AP3B1: This variant is not expected to have clinical s ignificance due to a lack of conservation across species, including mammals. Of note, 6 mammals have an asparagine (Asn) at this position despite high nearby am ino acid conservation. In addition, computational prediction tools do not sugges t a high likelihood of impact to the protein.

NM_003664.5(AP3B1):c.1580G>A (p.Ser527Asn)

Gene: AP3B1 (adaptor related protein complex 3 subunit beta 1; minus strand). Cytogenetic location: 5q14.1.
Variant type: single nucleotide variant.
Coding change: c.1580G>A on transcript NM_003664.5 (MANE Select); coding-DNA position 1580, G replaced by A.
Protein change: p.Ser527Asn; replaces serine 527 with asparagine.
Molecular consequence: missense variant.
Genome position (GRCh38, 1-based): chr5:78,141,213, C>T on the plus strand (G>A on the coding strand, the complement: AP3B1 is on the minus strand). VCF-style: chr5-78141213-C-T. GRCh37 (hg19) VCF-style: chr5-77437037-C-T.
Other names: c.1433G>A, p.Ser478Asn (NM_001271769.2); short protein forms S527N, S478N.
Identifiers: ClinVar variation 505163 (VCV000505163.8), dbSNP rs779511911, ClinGen allele CA360188868.